The following is an entry in ClinVar:

ClinVar aggregate classification (germline): Benign (1 of 4 stars; one submission).

Allele frequency attached by ClinVar (database versions not stated): TOPMed 0.21278; gnomAD 0.21297 and 0.22044; 1000 Genomes Project 30x 0.24547; 1000 Genomes Project 0.24900.
gnomAD v4.1: 179,225 of 699,188 alleles (26%); highest among the groups gnomAD compares: East Asian, 40%; 24,430 homozygotes.

Submission:

GeneDx
Classification: Benign. Last evaluated: 2018-06-15. Review status: criteria provided, single submitter. Criteria: GeneDx Variant Classification (06012015). Collection method: clinical testing. Allele origin: germline. Affected: yes.
Comment: This variant is considered likely benign or benign based on one or more of the following criteria: it is a conservative change, it occurs at a poorly conserved position in the protein, it is predicted to be benign by multiple in silico algorithms, and/or has population frequency not consistent with disease.

NM_006393.3(NEBL):c.799-145C>T

Gene: NEBL (nebulette; minus strand). Cytogenetic location: 10p12.31.
Variant type: single nucleotide variant.
Coding change: c.799-145C>T on transcript NM_006393.3 (MANE Select); 145 bases into the intron before coding-DNA position 799, C replaced by T.
Molecular consequence: intron variant.
Genome position (GRCh38, 1-based): chr10:20,858,489, G>A on the plus strand (C>T on the coding strand, the complement: NEBL is on the minus strand). VCF-style: chr10-20858489-G-A. GRCh37 (hg19) VCF-style: chr10-21147418-G-A.
Other names: c.250-45549C>T (NM_001377326.1, NM_001377327.1, NM_001377328.1); c.358-45549C>T (NM_213569.2, NM_001173484.2, NM_001377322.1); c.301-45549C>T (NM_001377324.1); c.292-45549C>T (NM_001377325.1); c.310-45549C>T (NM_001377323.1).
Identifiers: ClinVar variation 673053 (VCV000673053.1), dbSNP rs703093, ClinGen allele CA13184877.
Genomic context (GRCh38, chr10:20,858,489, plus strand): 5'-AGTAGGACTATTTAGTGGTAAATGGACAGACGAATTTACAAGGAGCCACTAGATGGTGCT[G>A]ATTTACTACTGAATGAATTTTAAAAAGTTATTTCTATATGGGCTTGAGAATACTTGGATA-3'